The following is an entry in ClinVar:

NM_020812.4(DOCK6):c.2498C>T (p.Ala833Val)

Gene: DOCK6 (dedicator of cytokinesis 6; minus strand). Cytogenetic location: 19p13.2.
Variant type: single nucleotide variant.
Coding change: c.2498C>T on transcript NM_020812.4 (MANE Select); coding-DNA position 2498, C replaced by T.
Protein change: p.Ala833Val; replaces alanine 833 with valine.
Molecular consequence: missense variant.
Genome position (GRCh38, 1-based): chr19:11,235,654, G>A on the plus strand (C>T on the coding strand, the complement: DOCK6 is on the minus strand). VCF-style: chr19-11235654-G-A. GRCh37 (hg19) VCF-style: chr19-11346330-G-A.
Other names: c.2498C>T, p.Ala833Val (NM_001367830.1); short protein forms A833V.
Identifiers: ClinVar variation 1369671 (VCV001369671.6), dbSNP rs773345225, ClinGen allele CA9207610.

ClinVar aggregate classification (germline): Uncertain significance (1 of 4 stars; one submission).

Submission:

Labcorp Genetics (formerly Invitae), Labcorp
Classification: Uncertain significance. Last evaluated: 2024-04-08. Review status: criteria provided, single submitter. Criteria: Invitae Variant Classification Sherloc (09022015). Collection method: clinical testing. Allele origin: germline.
Comment: This sequence change replaces alanine, which is neutral and non-polar, with valine, which is neutral and non-polar, at codon 833 of the DOCK6 protein (p.Ala833Val). The frequency data for this variant in the population databases is considered unreliable, as metrics indicate poor data quality at this position in the gnomAD database. This variant has not been reported in the literature in individuals affected with DOCK6-related conditions. ClinVar contains an entry for this variant (Variation ID: 1369671). Advanced modeling of protein sequence and biophysical properties (such as structural, functional, and spatial information, amino acid conservation, physicochemical variation, residue mobility, and thermodynamic stability) performed at Invitae indicates that this missense variant is not expected to disrupt DOCK6 protein function with a negative predictive value of 80%. In summary, the available evidence is currently insufficient to determine the role of this variant in disease. Therefore, it has been classified as a Variant of Uncertain Significance.